The following is an entry in ClinVar:

NM_004629.2(FANCG):c.1507T>A (p.Cys503Ser)

Gene: FANCG (FA complementation group G; minus strand). Cytogenetic location: 9p13.3.
Variant type: single nucleotide variant.
Coding change: c.1507T>A on transcript NM_004629.2 (MANE Select); coding-DNA position 1507, T replaced by A.
Protein change: p.Cys503Ser; replaces cysteine 503 with serine.
Molecular consequence: missense variant.
Genome position (GRCh38, 1-based): chr9:35,075,056, A>T on the plus strand (T>A on the coding strand, the complement: FANCG is on the minus strand). VCF-style: chr9-35075056-A-T. GRCh37 (hg19) VCF-style: chr9-35075053-A-T.
Other names: short protein forms C503S.
Identifiers: ClinVar variation 3848432 (VCV003848432.1).

ClinVar aggregate classification (germline): Uncertain significance (1 of 4 stars; one submission).

Conditions:
Inborn genetic diseases. Identifiers: MedGen C0950123, MeSH D030342.

Submission:

Ambry Genetics
Classification: Uncertain significance for Inborn genetic diseases. Last evaluated: 2025-02-04. Review status: criteria provided, single submitter. Criteria: Ambry Variant Classification Scheme 2023. Collection method: clinical testing. Allele origin: germline.
Comment: The p.C503S variant (also known as c.1507T>A), located in coding exon 12 of the FANCG gene, results from a T to A substitution at nucleotide position 1507. The cysteine at codon 503 is replaced by serine, an amino acid with dissimilar properties. This amino acid position is conserved. In addition, this alteration is predicted to be tolerated by in silico analysis. Based on the available evidence, the clinical significance of this variant remains unclear.